The following is an entry in ClinVar:

NM_001267550.2(TTN):c.91784_91790delinsAC (p.Gly30595fs)

Genes: TTN (titin; minus strand), TTN-AS1 (TTN antisense RNA 1; plus strand). Cytogenetic location: 2q31.2.
Variant type: Indel.
Coding change: c.91784_91790delinsAC on transcript NM_001267550.2 (MANE Select); coding-DNA positions 91784 to 91790, GTGTATA replaced by AC.
Protein change: p.Gly30595fs; shifts the reading frame from glycine 30595.
Molecular consequence: frameshift variant.
Genome position (GRCh38, 1-based): chr2:178,550,048-178,550,054, TATACAC replaced by GT on the plus strand (GTGTATA replaced by AC on the coding strand, the reverse complement: TTN is on the minus strand). VCF-style: chr2-178550048-TATACAC-GT. GRCh37 (hg19) VCF-style: chr2-179414775-TATACAC-GT.
Other names: c.64589_64595delGTGTATAinsAC (NM_003319.4); c.86861_86867delinsAC, p.Gly28954fs (NM_001256850.1); c.64589_64595delinsAC, p.Gly21530fs (NM_003319.4); c.84080_84086delinsAC, p.Gly28027fs (NM_133378.4); c.64964_64970delinsAC, p.Gly21655fs (NM_133432.3); c.65165_65171delinsAC, p.Gly21722fs (NM_133437.4); short protein forms G28027fs, G30595fs, G21530fs, G21655fs, G21722fs, G28954fs.
Identifiers: ClinVar variation 1753629 (VCV001753629.3), dbSNP rs2469186967, ClinGen allele CA2580064714.

ClinVar aggregate classification (germline): Likely pathogenic. Review status: criteria provided, multiple submitters, no conflicts (2 of 4 stars). 2 submissions from 2 submitters: Likely pathogenic (2). Last evaluated 2023-04-11.

Conditions:
Cardiovascular phenotype. Identifiers: MedGen CN230736.
TTN-related disorder. Also called: TTN-related condition; TTN-related disease; TTN-related disorders.

Submissions (2):

Blueprint Genetics
Classification: Likely pathogenic for TTN-related disorders. Last evaluated: 2023-04-11. Review status: criteria provided, single submitter. Criteria: ACMG Guidelines, 2015. Collection method: clinical testing. Allele origin: germline. Affected: yes. Observed: 1 variant allele.

Ambry Genetics
Classification: Likely pathogenic for Cardiovascular phenotype. Last evaluated: 2022-07-15. Review status: criteria provided, single submitter. Criteria: Ambry Variant Classification Scheme 2023. Collection method: clinical testing. Allele origin: germline.
Comment: The c.64589_64595delGTGTATAinsAC variant, located in coding exon 164 of the TTN gene, results from the deletion of 7 nucleotides and insertion of two nucleotides causing a translational frameshift with a predicted alternate stop codon (p.G21530Dfs*17). This exon is located in the A-band region of the N2-B isoform of the titin protein and is constitutively expressed in TTN transcripts (percent spliced in or PSI 100%). This variant is considered to be rare based on population cohorts in the Genome Aggregation Database (gnomAD). This alteration is expected to result in loss of function by premature protein truncation or nonsense-mediated mRNA decay. While truncating variants in TTN are present in 1-3% of the general population, truncating variants in the A-band are the most common cause of dilated cardiomyopathy (DCM) (Herman DS et al. N. Engl. J. Med., 2012 Feb;366:619-28; Roberts AM et al. Sci Transl Med, 2015 Jan;7:270ra6). TTN truncating variants encoded in constitutive exons (PSI >90%) have been found to be significantly associated with DCM regardless of their position in titin (Schafer S et al. Nat. Genet., 2017 01;49:46-53). Based on the majority of available evidence to date, this variant is likely to be pathogenic.